The following is an entry in ClinVar:

NM_001379500.1(COL18A1):c.776G>A (p.Arg259Gln)

Gene: COL18A1 (collagen type XVIII alpha 1 chain; plus strand). Cytogenetic location: 21q22.3.
Variant type: single nucleotide variant.
Coding change: c.776G>A on transcript NM_001379500.1 (MANE Select); coding-DNA position 776, G replaced by A.
Protein change: p.Arg259Gln; replaces arginine 259 with glutamine.
Molecular consequence: missense variant.
Genome position (GRCh38, 1-based): chr21:45,475,513, G>A. VCF-style: chr21-45475513-G-A. GRCh37 (hg19) VCF-style: chr21-46895427-G-A.
Other names: c.1316G>A, p.Arg439Gln (NM_030582.4); c.2021G>A, p.Arg674Gln (NM_130444.3); short protein forms R259Q, R439Q, R674Q.
Identifiers: ClinVar variation 1389024 (VCV001389024.5), dbSNP rs62000965, ClinGen allele CA321912993.

ClinVar aggregate classification (germline): Uncertain significance (1 of 4 stars; one submission).

gnomAD v4.1: 15 of 1,607,024 alleles (0.00093%); highest among the groups gnomAD compares: East Asian, 0.0022%; no homozygotes.

Submission:

Labcorp Genetics (formerly Invitae), Labcorp
Classification: Uncertain significance. Last evaluated: 2024-02-24. Review status: criteria provided, single submitter. Criteria: Invitae Variant Classification Sherloc (09022015). Collection method: clinical testing. Allele origin: germline.
Comment: This sequence change replaces arginine with glutamine at codon 259 of the COL18A1 protein (p.Arg259Gln). The frequency data for this variant in the population databases is considered unreliable, as metrics indicate poor data quality at this position in the gnomAD database. This variant has not been reported in the literature in individuals affected with COL18A1-related conditions. ClinVar contains an entry for this variant (Variation ID: 1389024). Experimental studies and prediction algorithms are not available or were not evaluated, and the functional significance of this variant is currently unknown. In summary, the available evidence is currently insufficient to determine the role of this variant in disease. Therefore, it has been classified as a Variant of Uncertain Significance.